The following is an entry in ClinVar:

NM_058216.3(RAD51C):c.1102C>T (p.Arg368Trp)

Gene: RAD51C (RAD51 paralog C; plus strand). Cytogenetic location: 17q22.
Variant type: single nucleotide variant.
Coding change: c.1102C>T on transcript NM_058216.3 (MANE Select); coding-DNA position 1102, C replaced by T.
Protein change: p.Arg368Trp; replaces arginine 368 with tryptophan.
Molecular consequence: missense variant. On other transcripts: non-coding transcript variant (1).
Genome position (GRCh38, 1-based): chr17:58,734,193, C>T. VCF-style: chr17-58734193-C-T. GRCh37 (hg19) VCF-style: chr17-56811554-C-T.
Other names: p.R368W:CGG>TGG; short protein forms R368W.
Identifiers: ClinVar variation 128202 (VCV000128202.41), dbSNP rs587780253, ClinGen allele CA288618.

ClinVar aggregate classification (germline): Conflicting classifications of pathogenicity. Review status: criteria provided, conflicting classifications (1 of 4 stars). 18 submissions from 17 submitters: Uncertain significance (14); Likely benign (3). 1 of the submissions does not count toward it. Last evaluated 2026-01-20.

Conditions:
RAD51C-related disorder. Also called: RAD51C-related disorders; RAD51C-related condition.
Familial ovarian cancer. Identifiers: MedGen C5679802, MONDO:0016248.
Hereditary cancer-predisposing syndrome. Also called: Neoplastic Syndromes, Hereditary; Hereditary Cancer Syndrome; Tumor predisposition; Hereditary neoplastic syndrome. Identifiers: Orphanet 140162, MedGen C0027672, MeSH D009386, MONDO:0015356.
Breast-ovarian cancer, familial, susceptibility to, 3. Also called: RAD51C-Related Breast/Ovarian Cancer. Identifiers: Orphanet 145, MedGen C3150659, MONDO:0013253, OMIM 613399.
Fanconi anemia complementation group O. Also called: RAD51C-Related Fanconi Anemia. Identifiers: Orphanet 84, MedGen C3150653, MONDO:0013248, OMIM 613390.
Hereditary breast ovarian cancer syndrome. Also called: BRCA1- and BRCA2-Associated Hereditary Breast and Ovarian Cancer; Hereditary breast and ovarian cancer syndrome; Hereditary breast and ovarian cancer syndrome (HBOC); Hereditary breast and/or ovarian cancer syndrome; Hereditary breast and ovarian cancer; Breast and ovarian cancer. Identifiers: Orphanet 145, MedGen C0677776, MeSH D061325, MONDO:0003582. Disease mechanism: loss of function.

Allele frequency attached by ClinVar (database versions not stated): gnomAD exomes 0.00002 and 0.00005; gnomAD 0.00003; TOPMed 0.00007; ExAC 0.00008.

Submissions 1 to 12 of 18:

PreventionGenetics, part of Exact Sciences
Classification: Uncertain significance for RAD51C-related condition. Last evaluated: 2026-01-20. Review status: criteria provided, single submitter. Criteria: ACMG Guidelines, 2015. Collection method: clinical testing. Allele origin: germline.
Comment: The RAD51C c.1102C>T variant is predicted to result in the amino acid substitution p.Arg368Trp. This variant has been reported in control populations as well as individuals with breast cancer (Table S3, Guindalini et al. 2022. PubMed ID: 35264596; Supplemental Data, Breast Cancer Association et al. 2021. PubMed ID: 33471991). This variant has also been reported, along with a region of loss of heterozygosity on chromosome 17q in a patient with neuroblastoma (TableS4b_AR, Zhang et al. 2015. PubMed ID: 26580448). Functional analysis of RAD51C homologous recombination DNA repair activity demonstrates neutral activity for this variant (Supplementary Table 1, Hu et al. 2023. PubMed ID: 37253112). This variant is reported in 0.038% of alleles in individuals of African descent in gnomAD, and has conflicting interpretations in ClinVar ranging from uncertain to likely benign (Variation ID: 128202). At this time, the clinical significance of this variant is uncertain due to the absence of conclusive functional and genetic evidence.

Labcorp Genetics (formerly Invitae), Labcorp
Classification: Uncertain significance for Fanconi anemia complementation group O. Last evaluated: 2026-01-13. Review status: criteria provided, single submitter. Criteria: Invitae Variant Classification Sherloc (09022015). Collection method: clinical testing. Allele origin: germline.
Comment: This sequence change replaces arginine, which is basic and polar, with tryptophan, which is neutral and slightly polar, at codon 368 of the RAD51C protein (p.Arg368Trp). This variant is present in population databases (rs587780253, gnomAD 0.04%). This variant has not been reported in the literature in individuals affected with RAD51C-related conditions. ClinVar contains an entry for this variant (Variation ID: 128202). An algorithm developed to predict the effect of missense changes on protein structure and function (PolyPhen-2) suggests that this variant is likely to be disruptive. Experimental studies have shown that this missense change does not substantially affect RAD51C function (PMID: 37253112). RNA analysis performed to evaluate the impact of this missense change on mRNA splicing indicates it does not significantly alter splicing (internal data). In summary, the available evidence is currently insufficient to determine the role of this variant in disease. Therefore, it has been classified as a Variant of Uncertain Significance.

Dasa
Classification: Likely benign. Last evaluated: 2025-11-21. Review status: criteria provided, single submitter. Criteria: DASA Assertion Criteria. Collection method: clinical testing. Allele origin: germline.
Comment: NM_058216.3(RAD51C):c.1102C>T (p.Arg368Trp) is a missense variant that results in the substitution of arginine with tryptophan. This variant has been recurrently observed in individuals with related phenotype (PMID: 26580448; PMID: 37253112). The variant is present at low frequency in population datasets. Based on the available data, this variant is classified as likely benign.

Quest Diagnostics Nichols Institute San Juan Capistrano
Classification: Uncertain significance. Last evaluated: 2025-06-25. Review status: criteria provided, single submitter. Criteria: Quest Diagnostics criteria. Collection method: clinical testing. Allele origin: unknown.
Comment: The RAD51C c.1102C>T (p.Arg368Trp) variant has been reported in the published literature in an individual with breast cancer (PMID: 35264596 (2022)) and in a pediatric individual with neuroblastoma (PMID: 26580448 (2015)). In a large scale breast cancer association study, this variant has been observed in breast cancer cases and reportedly unaffected individuals (PMID: 33471991 (2021), see also LOVD). A functional study demonstrated that this variant is not damaging to protein function (PMID: 37253112 (2023)). The frequency of this variant in the general population (Genome Aggregation Database) is uninformative in the assessment of its pathogenicity. Analysis of this variant using a bioinformatics tool (i.e., MutationTaster) for the prediction of the effect of amino acid changes on protein structure and function yielded a prediction that this variant is benign. Based on the available information, we are unable to determine the clinical significance of this variant.

GeneDx
Classification: Uncertain significance. Last evaluated: 2025-05-19. Review status: criteria provided, single submitter. Criteria: GeneDx Variant Classification Process June 2021. Collection method: clinical testing. Allele origin: germline. Affected: yes.
Comment: Published functional studies suggest this variant does not impact homology-directed repair (HDR) function (PMID: 37253112); In silico analysis suggests that this missense variant does not alter protein structure/function; This variant is associated with the following publications: (PMID: 12966089, 14704354, 35264596, 26580448, 37253112, 36243179, 33471991)

Ambry Genetics
Classification: Likely benign for Hereditary cancer-predisposing syndrome. Last evaluated: 2025-04-14. Review status: criteria provided, single submitter. Criteria: Ambry Variant Classification Scheme 2023. Collection method: clinical testing. Allele origin: germline.

Molecular Pathology, Peter Maccallum Cancer Centre
Classification: Uncertain significance for Familial ovarian cancer. Last evaluated: 2025-03-12. Review status: criteria provided, single submitter. Criteria: ACMG Guidelines, 2015. Collection method: clinical testing. Allele origin: germline. Inheritance: Autosomal dominant inheritance.

Color Diagnostics, LLC DBA Color Health
Classification: Uncertain significance for Hereditary cancer-predisposing syndrome. Last evaluated: 2025-01-07. Review status: criteria provided, single submitter. Criteria: ACMG Guidelines, 2015. Collection method: clinical testing. Allele origin: germline.
Comment: This missense variant replaces arginine with tryptophan at codon 368 of the RAD51C protein. Computational prediction suggests that this variant may not impact protein structure and function. To our knowledge, functional studies have not been reported for this variant. In a large breast cancer-case control study, this variant was identified in 2/60466 cases and 5/53461 controls (PMID: 33471991). This variant has been identified in 12/249298 chromosomes in the general population by the Genome Aggregation Database (gnomAD). The available evidence is insufficient to determine the role of this variant in disease conclusively. Therefore, this variant is classified as a Variant of Uncertain Significance.

Myriad Genetics, Inc.
Classification: Likely benign for Breast-ovarian cancer, familial, susceptibility to, 3. Last evaluated: 2024-09-12. Review status: criteria provided, single submitter. Criteria: Myriad Autosomal Dominant, Autosomal Recessive and X-Linked Classification Criteria (2023). Collection method: clinical testing. Allele origin: unknown.
Comment: This variant is considered likely benign. This variant is strongly associated with less severe personal and family histories of cancer, typical for individuals without pathogenic variants in this gene [PMID: 25085752].

Department of Pathology and Laboratory Medicine, Sinai Health System
Classification: Uncertain significance for Breast-ovarian cancer, familial, susceptibility to, 3. Last evaluated: 2024-08-09. Review status: criteria provided, single submitter. Criteria: ACMG Guidelines, 2015. Collection method: clinical testing. Allele origin: germline. Affected: yes.

Baylor Genetics
Classification: Uncertain significance for Breast-ovarian cancer, familial, susceptibility to, 3. Last evaluated: 2024-03-19. Review status: criteria provided, single submitter. Criteria: ACMG Guidelines, 2015. Collection method: clinical testing. Allele origin: unknown.

Fulgent Genetics
Classification: Uncertain significance for Fanconi anemia complementation group O; Breast-ovarian cancer, familial, susceptibility to, 3. Last evaluated: 2024-03-08. Review status: criteria provided, single submitter. Criteria: ACMG Guidelines, 2015. Collection method: clinical testing. Allele origin: germline.